The following is an entry in ClinVar:

ClinVar aggregate classification (germline): Uncertain significance. Review status: criteria provided, multiple submitters, no conflicts (2 of 4 stars). 2 submissions from 2 submitters: Uncertain significance (2). Last evaluated 2025-02-10.

Conditions:
Hereditary nonpolyposis colorectal neoplasms. Identifiers: MedGen C0009405, MeSH D003123.
Hereditary cancer-predisposing syndrome. Also called: Tumor predisposition; Hereditary neoplastic syndrome; Neoplastic Syndromes, Hereditary; Hereditary Cancer Syndrome. Identifiers: Orphanet 140162, MedGen C0027672, MeSH D009386, MONDO:0015356.

Submissions (2):

Ambry Genetics
Classification: Uncertain significance for Hereditary cancer-predisposing syndrome. Last evaluated: 2025-02-10. Review status: criteria provided, single submitter. Criteria: Ambry Variant Classification Scheme 2023. Collection method: clinical testing. Allele origin: germline.
Comment: The p.G209R variant (also known as c.625G>A), located in coding exon 6 of the PMS2 gene, results from a G to A substitution at nucleotide position 625. The glycine at codon 209 is replaced by arginine, an amino acid with dissimilar properties. This alteration was identified in an individual diagnosed with prostate cancer (Siegelmann-Danieli N et al. Prostate, 2024 Jan;84:39-46). This amino acid position is highly conserved in available vertebrate species. In addition, this alteration is predicted to be deleterious by in silico analysis. Based on the available evidence, the clinical significance of this variant remains unclear.

Labcorp Genetics (formerly Invitae), Labcorp
Classification: Uncertain significance for Hereditary nonpolyposis colorectal neoplasms. Last evaluated: 2023-02-03. Review status: criteria provided, single submitter. Criteria: Invitae Variant Classification Sherloc (09022015). Collection method: clinical testing. Allele origin: germline.
Comment: In summary, the available evidence is currently insufficient to determine the role of this variant in disease. Therefore, it has been classified as a Variant of Uncertain Significance. Advanced modeling of protein sequence and biophysical properties (such as structural, functional, and spatial information, amino acid conservation, physicochemical variation, residue mobility, and thermodynamic stability) performed at Invitae indicates that this missense variant is expected to disrupt PMS2 protein function. ClinVar contains an entry for this variant (Variation ID: 960044). This variant has not been reported in the literature in individuals affected with PMS2-related conditions. This variant is not present in population databases (gnomAD no frequency). This sequence change replaces glycine, which is neutral and non-polar, with arginine, which is basic and polar, at codon 209 of the PMS2 protein (p.Gly209Arg).

Literature cited by the submitters: PubMed 37842866 (cited by Ambry Genetics).

NM_000535.7(PMS2):c.625G>A (p.Gly209Arg)

Gene: PMS2 (PMS1 homolog 2, mismatch repair system component; minus strand). Cytogenetic location: 7p22.1.
Variant type: single nucleotide variant.
Coding change: c.625G>A on transcript NM_000535.7 (MANE Select); coding-DNA position 625, G replaced by A.
Protein change: p.Gly209Arg; replaces glycine 209 with arginine.
Molecular consequence: missense variant. On other transcripts: 5 prime UTR variant (2), non-coding transcript variant (1), intron variant (1).
Genome position (GRCh38, 1-based): chr7:5,999,188, C>T on the plus strand (G>A on the coding strand, the complement: PMS2 is on the minus strand). VCF-style: chr7-5999188-C-T. GRCh37 (hg19) VCF-style: chr7-6038819-C-T.
Other names: c.220G>A, p.Gly74Arg (NM_001322003.2, NM_001322004.2, NM_001322005.2 and 2 more transcripts); c.625G>A, p.Gly209Arg (NM_001322006.2, NM_001322014.2); c.307G>A, p.Gly103Arg (NM_001322007.2, NM_001322008.2); c.-309G>A (NM_001322011.2, NM_001322012.2); c.316G>A, p.Gly106Arg (NM_001322015.2); c.133-1765G>A (NM_001322013.2); short protein forms G106R, G209R, G103R, G74R.
Identifiers: ClinVar variation 960044 (VCV000960044.10), dbSNP rs1784808075, ClinGen allele CA366743961.